The following is an entry in ClinVar:

ClinVar aggregate classification (germline): Benign/Likely benign. Review status: criteria provided, multiple submitters, no conflicts (2 of 4 stars). 3 submissions from 3 submitters: Benign (1); Likely benign (1). 1 of the submissions does not count toward it. Last evaluated 2024-01-01.

Allele frequency attached by ClinVar (database versions not stated): gnomAD exomes 0.00026 and 0.00047; ExAC 0.00056; 1000 Genomes Project 30x 0.00094; 1000 Genomes Project 0.00120.
gnomAD v4.1: 386 of 1,614,224 alleles (0.024%); highest among the groups gnomAD compares: South Asian, 0.4%; 4 homozygotes.

Submissions (3):

CeGaT Center for Human Genetics Tuebingen
Classification: Benign. Last evaluated: 2024-01-01. Review status: criteria provided, single submitter. Criteria: CeGaT Center For Human Genetics Tuebingen Variant Classification Criteria Version 2. Collection method: clinical testing. Allele origin: germline. Affected: yes. Observed: 1 variant allele.
Comment: FAT2: BP4, BS1, BS2

Labcorp Genetics (formerly Invitae), Labcorp
Classification: Likely benign. Last evaluated: 2023-06-03. Review status: criteria provided, single submitter. Criteria: Invitae Variant Classification Sherloc (09022015). Collection method: clinical testing. Allele origin: germline.

Department of Pathology and Laboratory Medicine, Sinai Health System
Classification: Likely benign. Review status: no assertion criteria provided. Collection method: clinical testing. Allele origin: unknown. Affected: yes. Study: The Canadian Open Genetics Repository (COGR). Not counted in ClinVar's aggregate classification.
Comment: The FAT2 p.Lys2736Glu variant was not identified in the literature nor was it identified in ClinVar or LOVD 3.0. The variant was identified in dbSNP (ID: rs570674049) and in control databases in 117 of 251274 chromosomes (2 homozygous) at a frequency of 0.0004656 increasing the likelihood this could be a low frequency benign variant (Genome Aggregation Database March 6, 2019, v2.1.1). The variant was observed in the following populations: South Asian in 116 of 30616 chromosomes (freq: 0.003789) and European (non-Finnish) in 1 of 113570 chromosomes (freq: 0.000009), but was not observed in the African, Latino, Ashkenazi Jewish, East Asian, European (Finnish) or Other populations. The p.Lys2736 residue is not conserved in mammals and computational analyses (PolyPhen-2, SIFT, AlignGVGD, BLOSUM, MutationTaster) provide inconsistent predictions regarding the impact to the protein; this information is not very predictive of pathogenicity. The variant occurs outside of the splicing consensus sequence and in silico or computational prediction software programs (SpliceSiteFinder, MaxEntScan, NNSPLICE, GeneSplicer) do not predict a difference in splicing. In summary, based on the above information the clinical significance of this variant cannot be determined with certainty at this time although we would lean towards a more benign role for this variant. This variant is classified as likely benign.

NM_001447.3(FAT2):c.8206A>G (p.Lys2736Glu)

Genes: SLC36A1 (solute carrier family 36 member 1; plus strand), FAT2 (FAT atypical cadherin 2; minus strand). Cytogenetic location: 5q33.1.
Variant type: single nucleotide variant.
Coding change: c.8206A>G on transcript NM_001447.3 (MANE Select); coding-DNA position 8206, A replaced by G.
Protein change: p.Lys2736Glu; replaces lysine 2736 with glutamic acid.
Molecular consequence: missense variant.
Genome position (GRCh38, 1-based): chr5:151,542,921, T>C on the plus strand (A>G on the coding strand, the complement: FAT2 is on the minus strand). VCF-style: chr5-151542921-T-C. GRCh37 (hg19) VCF-style: chr5-150922482-T-C.
Other names: short protein forms K2736E.
Identifiers: ClinVar variation 1049072 (VCV001049072.26), dbSNP rs570674049, ClinGen allele CA3520835.
Genomic context (GRCh38, chr5:151,542,921, plus strand): 5'-CCATGGGCTTCCTCACCTTTATGACCCCTGTGTCTGGGTCTAGGGAGAAGACACCATCCT[T>C]GTTGCTCTCAGGTGTAGTGCCCCGCACTAGACTGTAGATGACTGGATCTTGAGCTGCCAC-3'
Protein context (NP_001438.1, residues 2726-2746): LVRGTTPESN[Lys2736Glu]DGVFSLDPDT